The following is an entry in ClinVar:

NM_001009944.3(PKD1):c.2986-3C>A

Gene: PKD1 (polycystin 1, transient receptor potential channel interacting; minus strand). Cytogenetic location: 16p13.3.
Variant type: single nucleotide variant.
Coding change: c.2986-3C>A on transcript NM_001009944.3 (MANE Select); 3 bases into the intron before coding-DNA position 2986, C replaced by A.
Molecular consequence: intron variant.
Genome position (GRCh38, 1-based): chr16:2,112,966, G>T on the plus strand (C>A on the coding strand, the complement: PKD1 is on the minus strand). VCF-style: chr16-2112966-G-T. GRCh37 (hg19) VCF-style: chr16-2162967-G-T.
Other names: c.2986-3C>A (NM_000296.4).
Identifiers: ClinVar variation 4999692 (VCV004999692.1).

ClinVar aggregate classification (germline): Likely pathogenic (1 of 4 stars; one submission).

Conditions:
PKD1-related disorder. Also called: PKD1-related condition.

Submission:

PreventionGenetics, part of Exact Sciences
Classification: Likely pathogenic for PKD1-related condition. Last evaluated: 2025-09-05. Review status: criteria provided, single submitter. Criteria: ACMG Guidelines, 2015. Collection method: clinical testing. Allele origin: germline.
Comment: The PKD1 c.2986-3C>A variant is predicted to interfere with splicing. This variant is predicted to alter splicing based on available splicing prediction programs (Alamut Visual Plus v1.6.1; SpliceAI, Jaganathan et al. 2019. PubMed ID: 30661751). Performed in another clinical laboratory by report, RNA analysis using fibroblasts from a patient with this variant in the heterozygous state affected by Tuberous Sclerosis Complex (TSC) and early onset of renal cysts confirmed the impact on splicing as intron 12 inclusion. Of note, in-frame or frameshifting deletions and duplications of various sizes in PKD1 have been commonly reported as pathogenic or likely pathogenic for autosomal dominant polycystic kidney disease (ADPKD). To our knowledge, this variant has not been reported in the literature or in a large population database (gnomAD), indicating this variant is rare. This variant is interpreted as likely pathogenic.